The following is an entry in ClinVar:

NM_004447.6(EPS8):c.1328A>G (p.Asn443Ser)

Gene: EPS8 (EGFR pathway substrate 8, signaling adaptor; minus strand). Cytogenetic location: 12p12.3.
Variant type: single nucleotide variant.
Coding change: c.1328A>G on transcript NM_004447.6 (MANE Select); coding-DNA position 1328, A replaced by G.
Protein change: p.Asn443Ser; replaces asparagine 443 with serine.
Molecular consequence: missense variant.
Genome position (GRCh38, 1-based): chr12:15,650,929, T>C on the plus strand (A>G on the coding strand, the complement: EPS8 is on the minus strand). VCF-style: chr12-15650929-T-C. GRCh37 (hg19) VCF-style: chr12-15803863-T-C.
Other names: short protein forms N443S.
Identifiers: ClinVar variation 1254743 (VCV001254743.7), dbSNP rs372273749, ClinGen allele CA6467598.

ClinVar aggregate classification (germline): Uncertain significance. Review status: criteria provided, multiple submitters, no conflicts (2 of 4 stars). 3 submissions from 3 submitters: Uncertain significance (3). Last evaluated 2024-08-15.

Conditions:
Inborn genetic diseases. Identifiers: MedGen C0950123, MeSH D030342.

Allele frequency attached by ClinVar (database versions not stated): TOPMed 0.00002; gnomAD 0.00003; ExAC 0.00005; gnomAD exomes 0.00005; ESP Exome Variant Server 0.00008.
gnomAD v4.1: 74 of 1,613,988 alleles (0.0046%); highest among the groups gnomAD compares: Non-Finnish European, 0.0062%; no homozygotes.

Submissions (3):

Blueprint Genetics
Classification: Uncertain significance. Last evaluated: 2024-08-15. Review status: criteria provided, single submitter. Criteria: ACMG Guidelines, 2015. Collection method: clinical testing. Allele origin: germline.

Ambry Genetics
Classification: Uncertain significance for Inborn genetic diseases. Last evaluated: 2024-07-14. Review status: criteria provided, single submitter. Criteria: Ambry Variant Classification Scheme 2023. Collection method: clinical testing. Allele origin: germline.

GeneDx
Classification: Uncertain significance. Last evaluated: 2021-07-21. Review status: criteria provided, single submitter. Criteria: GeneDx Variant Classification Process June 2021. Collection method: clinical testing. Allele origin: germline. Affected: yes.
Comment: In silico analysis supports that this missense variant does not alter protein structure/function; Has not been previously published as pathogenic or benign to our knowledge